The following is an entry in ClinVar:

NM_001972.4(ELANE):c.233G>A (p.Arg78His)

Gene: ELANE (elastase, neutrophil expressed; plus strand). Cytogenetic location: 19p13.3.
Variant type: single nucleotide variant.
Coding change: c.233G>A on transcript NM_001972.4 (MANE Select); coding-DNA position 233, G replaced by A.
Protein change: p.Arg78His; replaces arginine 78 with histidine.
Molecular consequence: missense variant.
Genome position (GRCh38, 1-based): chr19:853,270, G>A. VCF-style: chr19-853270-G-A. GRCh37 (hg19) VCF-style: chr19-853270-G-A.
Other names: short protein forms R78H.
Identifiers: ClinVar variation 1022943 (VCV001022943.11), dbSNP rs569608929, ClinGen allele CA9025979.

ClinVar aggregate classification (germline): Uncertain significance (1 of 4 stars; one submission).

Conditions:
Cyclical neutropenia. Also called: Cyclic hematopoiesis; Cyclic Neutropenia. Identifiers: Orphanet 2686, MedGen C0221023, MONDO:0008090, OMIM 162800, HP:0040289. Disease mechanism: loss of function.
Neutropenia, severe congenital, 1, autosomal dominant. Identifiers: MedGen C1859966, MONDO:0042490, OMIM 202700.

Allele frequency attached by ClinVar (database versions not stated): gnomAD 0.00001; TOPMed 0.00004.
gnomAD v4.1: 74 of 1,602,138 alleles (0.0046%); highest among the groups gnomAD compares: Non-Finnish European, 0.006%; no homozygotes.

Submission:

Labcorp Genetics (formerly Invitae), Labcorp
Classification: Uncertain significance for Neutropenia, severe congenital, 1, autosomal dominant; Cyclical neutropenia. Last evaluated: 2026-01-01. Review status: criteria provided, single submitter. Criteria: Invitae Variant Classification Sherloc (09022015). Collection method: clinical testing. Allele origin: germline.
Comment: This sequence change replaces arginine, which is basic and polar, with histidine, which is basic and polar, at codon 78 of the ELANE protein (p.Arg78His). This variant is present in population databases (rs569608929, gnomAD 0.003%). This variant has not been reported in the literature in individuals affected with ELANE-related conditions. ClinVar contains an entry for this variant (Variation ID: 1022943). Invitae Evidence Modeling of protein sequence and biophysical properties (such as structural, functional, and spatial information, amino acid conservation, physicochemical variation, residue mobility, and thermodynamic stability) has been performed for this missense variant. However, the output from this modeling did not meet the statistical confidence thresholds required to predict the impact of this variant on ELANE protein function. In summary, the available evidence is currently insufficient to determine the role of this variant in disease. Therefore, it has been classified as a Variant of Uncertain Significance.